The following is an entry in ClinVar:

NM_002878.4(RAD51D):c.480+3A>G

Genes: RAD51D (RAD51 paralog D; minus strand), RAD51L3-RFFL (RAD51L3-RFFL readthrough; minus strand). Cytogenetic location: 17q12.
Variant type: single nucleotide variant.
Coding change: c.480+3A>G on transcript NM_002878.4 (MANE Select); 3 bases into the intron after coding-DNA position 480, A replaced by G.
Molecular consequence: intron variant.
Genome position (GRCh38, 1-based): chr17:35,106,985, T>C on the plus strand (A>G on the coding strand, the complement: RAD51D is on the minus strand). VCF-style: chr17-35106985-T-C. GRCh37 (hg19) VCF-style: chr17-33434004-T-C.
Other names: c.145-504A>G (NM_133629.3); c.540+3A>G (NM_001142571.2).
Identifiers: ClinVar variation 232038 (VCV000232038.13), dbSNP rs876659511, ClinGen allele CA10580458.

ClinVar aggregate classification (germline): Uncertain significance. Review status: criteria provided, multiple submitters, no conflicts (2 of 4 stars). 3 submissions from 3 submitters: Uncertain significance (3). Last evaluated 2026-02-12.

Conditions:
Breast-ovarian cancer, familial, susceptibility to, 4. Identifiers: Orphanet 145, MedGen C3280345, MONDO:0013669, OMIM 614291.
Hereditary cancer-predisposing syndrome. Also called: Tumor predisposition; Hereditary neoplastic syndrome; Hereditary Cancer Syndrome; Neoplastic Syndromes, Hereditary. Identifiers: Orphanet 140162, MedGen C0027672, MeSH D009386, MONDO:0015356.

Allele frequency attached by ClinVar (database versions not stated): TOPMed below 0.00001.
gnomAD v4.1: 1 of 1,614,226 alleles (0.000062%); no homozygotes.

Submissions (3):

Ambry Genetics
Classification: Uncertain significance for Hereditary cancer-predisposing syndrome. Last evaluated: 2026-02-12. Review status: criteria provided, single submitter. Criteria: Ambry Variant Classification Scheme 2023. Collection method: clinical testing. Allele origin: germline.
Comment: The c.480+3A>G intronic variant results from an A to G substitution 3 nucleotides after coding exon 5 in the RAD51D gene. This nucleotide position is well conserved in available vertebrate species. In silico splice site analysis for this alteration is inconclusive. Based on the available evidence, the clinical significance of this variant remains unclear.

Labcorp Genetics (formerly Invitae), Labcorp
Classification: Uncertain significance for Breast-ovarian cancer, familial, susceptibility to, 4. Last evaluated: 2025-09-24. Review status: criteria provided, single submitter. Criteria: Invitae Variant Classification Sherloc (09022015). Collection method: clinical testing. Allele origin: germline.
Comment: This sequence change falls in intron 5 of the RAD51D gene. It does not directly change the encoded amino acid sequence of the RAD51D protein. It affects a nucleotide within the consensus splice site. This variant is not present in population databases (gnomAD no frequency). This variant has not been reported in the literature in individuals affected with RAD51D-related conditions. ClinVar contains an entry for this variant (Variation ID: 232038). Variants that disrupt the consensus splice site are a relatively common cause of aberrant splicing (PMID: 17576681, 9536098). Algorithms developed to predict the effect of sequence changes on RNA splicing suggest that this variant is not likely to affect RNA splicing. In summary, the available evidence is currently insufficient to determine the role of this variant in disease. Therefore, it has been classified as a Variant of Uncertain Significance.

Color Diagnostics, LLC DBA Color Health
Classification: Uncertain significance for Hereditary cancer-predisposing syndrome. Last evaluated: 2025-04-15. Review status: criteria provided, single submitter. Criteria: ACMG Guidelines, 2015. Collection method: clinical testing. Allele origin: germline.
Comment: This variant causes an A to G nucleotide substitution at the +3 position of intron 5/9 of the RAD51D gene. To our knowledge, functional studies have not been reported for this variant. This variant has not been reported in individuals affected with RAD51D-related disorders in the literature. This variant has not been identified in the general population by the Genome Aggregation Database (gnomAD). The available evidence is insufficient to determine the role of this variant in disease conclusively. Therefore, this variant is classified as a Variant of Uncertain Significance.

Literature cited by the submitters: PubMed 17576681 (cited by Labcorp Genetics (formerly Invitae), Labcorp); PubMed 9536098 (cited by Labcorp Genetics (formerly Invitae), Labcorp).